The following is an entry in ClinVar:

NM_003172.4(SURF1):c.54+34_55-26del

Genes: SURF1 (SURF1 cytochrome c oxidase assembly factor; minus strand), LOC130002899 (ATAC-STARR-seq lymphoblastoid silent region 20452; plus strand). Cytogenetic location: 9q34.2.
Variant type: Deletion.
Coding change: c.54+34_55-26del on transcript NM_003172.4 (MANE Select); 34 bases into the intron after coding-DNA position 54 through 26 bases into the intron before coding-DNA position 55, 21 bases deleted (CGCGGGGAGGGGTCCCGGAGC).
Molecular consequence: intron variant.
Genome position (GRCh38, 1-based): chr9:133,356,346-133,356,366, GCTCCGGGACCCCTCCCCGCG deleted on the plus strand (CGCGGGGAGGGGTCCCGGAGC on the coding strand, the reverse complement: SURF1 is on the minus strand). VCF-style (leftmost placement, unchanged base first): chr9-133356345-AGCTCCGGGACCCCTCCCCGCG-A. GRCh37 (hg19) VCF-style: chr9-136223200-AGCTCCGGGACCCCTCCCCGCG-A.
Other names: c.-222+34_-222+54del (NM_001280787.1).
Identifiers: ClinVar variation 215230 (VCV000215230.1), dbSNP rs863224225, ClinGen allele CA324744.

ClinVar aggregate classification (germline): Benign (1 of 4 stars; one submission).

Submission:

GeneDx
Classification: Benign. Last evaluated: 2013-07-23. Review status: criteria provided, single submitter. Criteria: GeneDx Variant Classification (06012015). Collection method: clinical testing. Allele origin: germline. Affected: yes.
Comment: The variant is found in COMPIV-MITOP,MITONUC-MITOP panel(s).